The following is an entry in ClinVar:

ClinVar aggregate classification (germline): Uncertain significance (1 of 4 stars; one submission).

Conditions:
Retinoblastoma (RB1). Also called: RETINOBLASTOMA, SOMATIC. Identifiers: Orphanet 790, MedGen C0035335, MeSH D012175, MONDO:0008380, OMIM 180200, HP:0009919. Disease mechanism: loss of function. Inheritance: Both sporadic and heritable forms are tested..

Submission:

Labcorp Genetics (formerly Invitae), Labcorp
Classification: Uncertain significance for Retinoblastoma. Last evaluated: 2024-10-06. Review status: criteria provided, single submitter. Criteria: Invitae Variant Classification Sherloc (09022015). Collection method: clinical testing. Allele origin: germline.
Comment: This sequence change falls in intron 22 of the RB1 gene. It does not directly change the encoded amino acid sequence of the RB1 protein. It affects a nucleotide within the consensus splice site. This variant is not present in population databases (gnomAD no frequency). This variant has not been reported in the literature in individuals affected with RB1-related conditions. ClinVar contains an entry for this variant (Variation ID: 1471648). Variants that disrupt the consensus splice site are a relatively common cause of aberrant splicing (PMID: 17576681, 9536098). Algorithms developed to predict the effect of sequence changes on RNA splicing suggest that this variant may disrupt the consensus splice site. In summary, the available evidence is currently insufficient to determine the role of this variant in disease. Therefore, it has been classified as a Variant of Uncertain Significance.

Literature cited by the submitters: PubMed 17576681; PubMed 9536098.

NM_000321.3(RB1):c.2325+3_2325+5del

Gene: RB1 (RB transcriptional corepressor 1; plus strand). Cytogenetic location: 13q14.2.
Variant type: Deletion.
Coding change: c.2325+3_2325+5del on transcript NM_000321.3 (MANE Select); bases 3 to 5 of the intron after coding-DNA position 2325, 3 bases deleted (AGG; older notation c.2325+3_2325+5delAGG).
Molecular consequence: intron variant.
Genome position (GRCh38, 1-based): chr13:48,465,114-48,465,116, AGG deleted. VCF-style (leftmost placement, unchanged base first): chr13-48465113-TAGG-T. GRCh37 (hg19) VCF-style: chr13-49039249-TAGG-T.
Identifiers: ClinVar variation 1471648 (VCV001471648.6), dbSNP rs2138345090, ClinGen allele CA2573149619.